The following is an entry in ClinVar:

ClinVar aggregate classification (germline): Pathogenic. Review status: reviewed by expert panel (3 of 4 stars). 6 submissions from 6 submitters: Pathogenic (1). 5 of the submissions do not count toward it. Last evaluated 2016-10-18.

Conditions:
Hereditary breast ovarian cancer syndrome. Also called: Hereditary breast and ovarian cancer syndrome (HBOC); Breast and ovarian cancer; Hereditary breast and ovarian cancer syndrome; Hereditary breast and ovarian cancer; BRCA1- and BRCA2-Associated Hereditary Breast and Ovarian Cancer; Hereditary breast and/or ovarian cancer syndrome. Identifiers: Orphanet 145, MedGen C0677776, MeSH D061325, MONDO:0003582. Disease mechanism: loss of function.
Breast-ovarian cancer, familial, susceptibility to, 1 (BROVCA1). Also called: BRCA1 Hereditary Breast and Ovarian Cancer; OVARIAN CANCER, SUSCEPTIBILITY TO. Identifiers: Orphanet 145, MedGen C2676676, MONDO:0011450, OMIM 604370. Disease mechanism: loss of function.
Hereditary cancer-predisposing syndrome. Also called: Hereditary Cancer Syndrome; Neoplastic Syndromes, Hereditary; Hereditary neoplastic syndrome; Tumor predisposition. Identifiers: Orphanet 140162, MedGen C0027672, MeSH D009386, MONDO:0015356.

Submissions (6):

Evidence-based Network for the Interpretation of Germline Mutant Alleles (ENIGMA)
Classification: Pathogenic for Breast-ovarian cancer, familial, susceptibility to, 1. Last evaluated: 2016-10-18. Review status: reviewed by expert panel. Criteria: ENIGMA BRCA1/2 Classification Criteria (2015). Collection method: curation. Allele origin: germline.
Comment: Variant allele predicted to encode a truncated non-functional protein.

Labcorp Genetics (formerly Invitae), Labcorp
Classification: Pathogenic for Hereditary breast ovarian cancer syndrome. Last evaluated: 2023-05-26. Review status: criteria provided, single submitter. Criteria: Invitae Variant Classification Sherloc (09022015). Collection method: clinical testing. Allele origin: germline. Not counted in ClinVar's aggregate classification.
Comment: ClinVar contains an entry for this variant (Variation ID: 240774). This sequence change creates a premature translational stop signal (p.Gln534Argfs*3) in the BRCA1 gene. It is expected to result in an absent or disrupted protein product. Loss-of-function variants in BRCA1 are known to be pathogenic (PMID: 20104584). This variant is not present in population databases (gnomAD no frequency). This premature translational stop signal has been observed in individual(s) with triple-negative breast cancer (PMID: 25452441). For these reasons, this variant has been classified as Pathogenic.

Color Diagnostics, LLC DBA Color Health
Classification: Pathogenic for Hereditary cancer-predisposing syndrome. Last evaluated: 2020-05-04. Review status: criteria provided, single submitter. Criteria: ACMG Guidelines, 2015. Collection method: clinical testing. Allele origin: germline. Not counted in ClinVar's aggregate classification.
Comment: This variant deletes 2 nucleotides in exon 10 of the BRCA1 gene, creating a frameshift and premature translation stop signal. This variant is expected to result in an absent or non-functional protein product. This variant has been reported in an individual affected with breast cancer (PMID: 25452441). This variant has not been identified in the general population by the Genome Aggregation Database (gnomAD). Loss of BRCA1 function is a known mechanism of disease. Based on the available evidence, this variant is classified as Pathogenic.

Ambry Genetics
Classification: Pathogenic for Hereditary cancer-predisposing syndrome. Last evaluated: 2018-02-13. Review status: criteria provided, single submitter. Criteria: Ambry Variant Classification Scheme 2023. Collection method: clinical testing. Allele origin: germline. Not counted in ClinVar's aggregate classification.
Comment: The c.1601_1602delAG pathogenic mutation, located in coding exon 9 of the BRCA1 gene, results from a deletion of two nucleotides at nucleotide positions 1601 to 1602, causing a translational frameshift with a predicted alternate stop codon (p.Q534Rfs*3). This alteration was detected in 1 individual in a cohort of 1824 patients with triple negative breast cancer (Couch FJ et al. J. Clin. Oncol. 2015 Feb;33:304-11). In addition to the clinical data presented in the literature, this alteration is expected to result in loss of function by premature protein truncation or nonsense-mediated mRNA decay. As such, this alteration is interpreted as a disease-causing mutation.

Consortium of Investigators of Modifiers of BRCA1/2 (CIMBA), c/o University of Cambridge
Classification: Pathogenic for Breast-ovarian cancer, familial, susceptibility to, 1. Last evaluated: 2015-10-02. Review status: criteria provided, single submitter. Criteria: CIMBA Mutation Classification guidelines May 2016. Collection method: clinical testing. Allele origin: germline. Not counted in ClinVar's aggregate classification.

GeneDx
Classification: Pathogenic. Last evaluated: 2015-07-27. Review status: criteria provided, single submitter. Criteria: GeneDx Variant Classification (06012015). Collection method: clinical testing. Allele origin: germline. Affected: yes. Not counted in ClinVar's aggregate classification.
Comment: This deletion of 2 nucleotides in BRCA1 is denoted c.1601_1602delAG at the cDNA level and p.Gln534ArgfsX3 (Q534RfsX3) at the protein level. This deletion is also known as BRCA1 1720delAG using alternate nomenclature. The normal sequence, with the bases that are deleted in braces, is AATC[AG]GGAA. The deletion causes a frameshift, which changes a Glutamine to an Arginine at codon 534, and creates a premature stop codon at position 3 of the new reading frame. This variant is predicted to cause loss of normal protein function through either protein truncation or nonsense-mediated mRNA decay. BRCA1 c.1601_1602delAG has been reported in at least one individual with triple negative breast cancer (Couch 2015). we consider this variant to be pathogenic.

Literature cited by the submitters: PubMed 20104584 (cited by Labcorp Genetics (formerly Invitae), Labcorp); PubMed 25452441 (cited by Labcorp Genetics (formerly Invitae), Labcorp and Ambry Genetics).

NM_007294.4(BRCA1):c.1601_1602del (p.Gln534fs)

Gene: BRCA1 (BRCA1 DNA repair associated; minus strand). Cytogenetic location: 17q21.31.
Variant type: Deletion.
Coding change: c.1601_1602del on transcript NM_007294.4 (MANE Select); coding-DNA positions 1601 to 1602, 2 bases deleted (AG; older notation c.1601_1602delAG).
Protein change: p.Gln534fs; shifts the reading frame from glutamine 534.
Molecular consequence: frameshift variant. On other transcripts: intron variant (137).
Genome position (GRCh38, 1-based): chr17:43,093,929-43,093,930, CT deleted on the plus strand (AG on the coding strand, the reverse complement: BRCA1 is on the minus strand). VCF-style (leftmost placement, unchanged base first): chr17-43093928-CCT-C. GRCh37 (hg19) VCF-style: chr17-41245945-CCT-C.
Other names: 1720delAG- ter563; c.1601_1602del, p.Gln534fs (NM_001407593.1, NM_001407594.1, NM_001407596.1 and 30 more transcripts); c.1598_1599del, p.Gln533fs (NM_001407636.1, NM_001407637.1, NM_001407638.1 and 22 more transcripts); c.1523_1524del, p.Gln508fs (NM_001407657.1, NM_001407658.1, NM_001407663.1 and 4 more transcripts); c.1520_1521del, p.Gln507fs (NM_001407659.1, NM_001407660.1, NM_001407661.1 and 1 more transcripts); c.1478_1479del, p.Gln493fs (NM_001407664.1, NM_001407675.1, NM_001407676.1 and 19 more transcripts); c.1460_1461del, p.Gln487fs (NM_001407694.1, NM_001407695.1, NM_001407696.1 and 29 more transcripts); c.1457_1458del, p.Gln486fs (NM_001407740.1, NM_001407741.1, NM_001407742.1 and 20 more transcripts); and 41 more; short protein forms Q487fs, Q534fs, Q366fs, Q406fs, Q466fs, Q486fs, Q531fs, Q238fs.
Identifiers: ClinVar variation 240774 (VCV000240774.23), dbSNP rs878854933, ClinGen allele CA10583579.